The following is an entry in ClinVar:

ClinVar aggregate classification (germline): Likely benign. Review status: criteria provided, multiple submitters, no conflicts (2 of 4 stars). 2 submissions from 2 submitters: Likely benign (2). Last evaluated 2023-07-28.

Conditions:
Long QT syndrome 1 (LQT1). Identifiers: Orphanet 101016, Orphanet 768, MedGen C4551647, MONDO:0100316, OMIM 192500, MONDO:0008646.

gnomAD v4.1: 1 of 1,607,818 alleles (0.000062%); highest among the groups gnomAD compares: East Asian, 0.0022%; no homozygotes.

Submissions (2):

Labcorp Genetics (formerly Invitae), Labcorp
Classification: Likely benign for Long QT syndrome 1. Last evaluated: 2023-07-28. Review status: criteria provided, single submitter. Criteria: Invitae Variant Classification Sherloc (09022015). Collection method: clinical testing. Allele origin: germline.

GeneDx
Classification: Likely benign. Last evaluated: 2017-03-10. Review status: criteria provided, single submitter. Criteria: GeneDx Variant Classification (06012015). Collection method: clinical testing. Allele origin: germline. Affected: yes.
Comment: This variant is considered likely benign or benign based on one or more of the following criteria: it is a conservative change, it occurs at a poorly conserved position in the protein, it is predicted to be benign by multiple in silico algorithms, and/or has population frequency not consistent with disease.

NM_001743.6(CALM2):c.179-9C>T

Gene: CALM2 (calmodulin 2; minus strand). Cytogenetic location: 2p21.
Variant type: single nucleotide variant.
Coding change: c.179-9C>T on transcript NM_001743.6 (MANE Select); 9 bases into the intron before coding-DNA position 179, C replaced by T.
Molecular consequence: intron variant.
Genome position (GRCh38, 1-based): chr2:47,162,401, G>A on the plus strand (C>T on the coding strand, the complement: CALM2 is on the minus strand). VCF-style: chr2-47162401-G-A. GRCh37 (hg19) VCF-style: chr2-47389540-G-A.
Other names: c.323-9C>T (NM_001305624.1); c.71-9C>T (NM_001305626.1, NM_001305625.2).
Identifiers: ClinVar variation 507892 (VCV000507892.10), dbSNP rs778197988, ClinGen allele CA658795746.